The following is an entry in ClinVar:

ClinVar aggregate classification (germline): Likely benign. Review status: criteria provided, multiple submitters, no conflicts (2 of 4 stars). 2 submissions from 2 submitters: Likely benign (2). Last evaluated 2026-08-14.

Conditions:
ELP1-related disorder. Also called: ELP1-related condition.

Allele frequency attached by ClinVar (database versions not stated): TOPMed below 0.00001; gnomAD exomes 0.00001.
gnomAD v4.1: 13 of 1,608,448 alleles (0.00081%); highest among the groups gnomAD compares: Non-Finnish European, 0.0011%; no homozygotes.

Submissions (2):

PreventionGenetics, part of Exact Sciences
Classification: Likely benign for ELP1-related condition. Last evaluated: 2026-08-14. Review status: criteria provided, single submitter. Criteria: ACMG Guidelines, 2015. Collection method: clinical testing. Allele origin: germline.
Comment: This variant is classified as likely benign based on ACMG/AMP sequence variant interpretation guidelines (Richards et al. 2015 PMID: 25741868, with internal and published modifications).

Labcorp Genetics (formerly Invitae), Labcorp
Classification: Likely benign. Last evaluated: 2022-07-20. Review status: criteria provided, single submitter. Criteria: Invitae Variant Classification Sherloc (09022015). Collection method: clinical testing. Allele origin: germline.

NM_003640.5(ELP1):c.385+10T>A

Gene: ELP1 (elongator acetyltransferase complex subunit 1; minus strand). Cytogenetic location: 9q31.3.
Variant type: single nucleotide variant.
Coding change: c.385+10T>A on transcript NM_003640.5 (MANE Select); 10 bases into the intron after coding-DNA position 385, T replaced by A.
Molecular consequence: intron variant.
Genome position (GRCh38, 1-based): chr9:108,927,362, A>T on the plus strand (T>A on the coding strand, the complement: ELP1 is on the minus strand). VCF-style: chr9-108927362-A-T. GRCh37 (hg19) VCF-style: chr9-111689642-A-T.
Other names: c.43+10T>A (NM_001318360.2); c.-475+10T>A (NM_001330749.2); c.385+10T>A (NM_003640.4).
Identifiers: ClinVar variation 1083792 (VCV001083792.10), dbSNP rs990666217, ClinGen allele CA197529029.